The following is an entry in ClinVar:

ClinVar aggregate classification (germline): Uncertain significance (1 of 4 stars; one submission).

Submission:

Labcorp Genetics (formerly Invitae), Labcorp
Classification: Uncertain significance. Last evaluated: 2024-12-05. Review status: criteria provided, single submitter. Criteria: Invitae Variant Classification Sherloc (09022015). Collection method: clinical testing. Allele origin: germline.
Comment: This sequence change replaces valine, which is neutral and non-polar, with phenylalanine, which is neutral and non-polar, at codon 758 of the GEN1 protein (p.Val758Phe). The frequency data for this variant in the population databases is considered unreliable, as metrics indicate poor data quality at this position in the gnomAD database. This variant has not been reported in the literature in individuals affected with GEN1-related conditions. An algorithm developed to predict the effect of missense changes on protein structure and function outputs the following: PolyPhen-2: "Benign". The phenylalanine amino acid residue is found in multiple mammalian species, which suggests that this missense change does not adversely affect protein function. In summary, the available evidence is currently insufficient to determine the role of this variant in disease. Therefore, it has been classified as a Variant of Uncertain Significance.

NM_001130009.3(GEN1):c.2272G>T (p.Val758Phe)

Gene: GEN1 (GEN1 structure-specific endonuclease; plus strand). Cytogenetic location: 2p24.2.
Variant type: single nucleotide variant.
Coding change: c.2272G>T on transcript NM_001130009.3 (MANE Select); coding-DNA position 2272, G replaced by T.
Protein change: p.Val758Phe; replaces valine 758 with phenylalanine.
Molecular consequence: missense variant.
Genome position (GRCh38, 1-based): chr2:17,781,484, G>T. VCF-style: chr2-17781484-G-T. GRCh37 (hg19) VCF-style: chr2-17962751-G-T.
Other names: c.2272G>T, p.Val758Phe (NM_182625.5); short protein forms V758F.
Identifiers: ClinVar variation 3714086 (VCV003714086.2).
Genomic context (GRCh38, chr2:17,781,484, plus strand): 5'-CTAAAAGGAGACCAGCTGCTTCAAGAAGACTATAAAGTCAATACTTCTGTCCCTTATTCT[G>T]TCAGTAACACAGTGGTAAAGACCTGCAATGTTAGACCACCAAATACTGCTTTAGATCATA-3'
Protein context (NP_001123481.3, residues 748-768): YKVNTSVPYS[Val758Phe]SNTVVKTCNV